The following is an entry in ClinVar:

ClinVar aggregate classification (germline): Uncertain significance. Review status: criteria provided, multiple submitters, no conflicts (2 of 4 stars). 2 submissions from 2 submitters: Uncertain significance (2). Last evaluated 2025-06-08.

Conditions:
Palmoplantar keratoderma-esophageal carcinoma syndrome (TOC). Also called: KERATOSIS PALMARIS ET PLANTARIS WITH ESOPHAGEAL CANCER; Tylosis with Esophageal Cancer; PALMOPLANTAR KERATODERMA WITH ESOPHAGEAL CANCER. Identifiers: Orphanet 2198, MedGen C1835664, MONDO:0007856, OMIM 148500.

Allele frequency attached by ClinVar (database versions not stated): TOPMed 0.00001.
gnomAD v4.1: 41 of 1,610,486 alleles (0.0025%); highest among the groups gnomAD compares: Middle Eastern, 0.53%; no homozygotes.

Submissions (2):

Labcorp Genetics (formerly Invitae), Labcorp
Classification: Uncertain significance. Last evaluated: 2025-06-08. Review status: criteria provided, single submitter. Criteria: Invitae Variant Classification Sherloc (09022015). Collection method: clinical testing. Allele origin: germline.
Comment: This sequence change replaces alanine, which is neutral and non-polar, with serine, which is neutral and polar, at codon 71 of the RHBDF2 protein (p.Ala71Ser). The frequency data for this variant in the population databases is considered unreliable, as metrics indicate poor data quality at this position in the gnomAD database. This variant has not been reported in the literature in individuals affected with RHBDF2-related conditions. ClinVar contains an entry for this variant (Variation ID: 892254). An algorithm developed to predict the effect of missense changes on protein structure and function (PolyPhen-2) suggests that this variant is likely to be tolerated. In summary, the available evidence is currently insufficient to determine the role of this variant in disease. Therefore, it has been classified as a Variant of Uncertain Significance.

Illumina Laboratory Services, Illumina
Classification: Uncertain significance for Palmoplantar keratoderma-esophageal carcinoma syndrome. Last evaluated: 2018-01-12. Review status: criteria provided, single submitter. Criteria: ICSL Variant Classification Criteria 13 December 2019. Collection method: clinical testing. Allele origin: germline.

NM_001005498.4(RHBDF2):c.151-27G>T

Gene: RHBDF2 (rhomboid 5 homolog 2; minus strand). Cytogenetic location: 17q25.1.
Variant type: single nucleotide variant.
Coding change: c.151-27G>T on transcript NM_001005498.4 (MANE Select); 27 bases into the intron before coding-DNA position 151, G replaced by T.
Molecular consequence: intron variant. On other transcripts: missense variant (1).
Genome position (GRCh38, 1-based): chr17:76,479,881, C>A on the plus strand (G>T on the coding strand, the complement: RHBDF2 is on the minus strand). VCF-style: chr17-76479881-C-A. GRCh37 (hg19) VCF-style: chr17-74475963-C-A.
Other names: c.211G>T, p.Ala71Ser (NM_024599.5); c.151-27G>T (NM_001376230.1, NM_001376228.1, NM_001376229.1); short protein forms A71S.
Identifiers: ClinVar variation 892254 (VCV000892254.5), dbSNP rs565386980, ClinGen allele CA294186635.
Genomic context (GRCh38, chr17:76,479,881, plus strand): 5'-GGCTGACGCTCTTCAAGTAGGCTGGGTTCTTCCTCTTGGGGAGGAAGGAGGGAGGGCAGG[C>A]GGTGGTGTGTGCAGCCCAGGTCCTGGGCTGGCTTTTCTTTAGCCTCCTATTCTGAAAACC-3'